The following is an entry in ClinVar:

ClinVar aggregate classification (germline): Conflicting classifications of pathogenicity. Review status: criteria provided, conflicting classifications (1 of 4 stars). 2 submissions from 2 submitters: Uncertain significance (1); Likely benign (1). Last evaluated 2024-12-12.

gnomAD v4.1: 6 of 1,610,690 alleles (0.00037%); highest among the groups gnomAD compares: Admixed American, 0.01%; no homozygotes.

Submissions (2):

Labcorp Genetics (formerly Invitae), Labcorp
Classification: Uncertain significance. Last evaluated: 2024-12-12. Review status: criteria provided, single submitter. Criteria: Invitae Variant Classification Sherloc (09022015). Collection method: clinical testing. Allele origin: germline.
Comment: This sequence change replaces arginine, which is basic and polar, with histidine, which is basic and polar, at codon 268 of the COMP protein (p.Arg268His). This variant is not present in population databases (gnomAD no frequency). This variant has not been reported in the literature in individuals affected with COMP-related conditions. Invitae Evidence Modeling of protein sequence and biophysical properties (such as structural, functional, and spatial information, amino acid conservation, physicochemical variation, residue mobility, and thermodynamic stability) indicates that this missense variant is not expected to disrupt COMP protein function with a negative predictive value of 80%. In summary, the available evidence is currently insufficient to determine the role of this variant in disease. Therefore, it has been classified as a Variant of Uncertain Significance.

Blueprint Genetics
Classification: Likely benign. Last evaluated: 2022-11-15. Review status: criteria provided, single submitter. Criteria: ACMG Guidelines, 2015. Collection method: clinical testing. Allele origin: germline.

NM_000095.3(COMP):c.803G>A (p.Arg268His)

Gene: COMP (cartilage oligomeric matrix protein; minus strand). Cytogenetic location: 19p13.11.
Variant type: single nucleotide variant.
Coding change: c.803G>A on transcript NM_000095.3 (MANE Select); coding-DNA position 803, G replaced by A.
Protein change: p.Arg268His; replaces arginine 268 with histidine.
Molecular consequence: missense variant.
Genome position (GRCh38, 1-based): chr19:18,788,474, C>T on the plus strand (G>A on the coding strand, the complement: COMP is on the minus strand). VCF-style: chr19-18788474-C-T. GRCh37 (hg19) VCF-style: chr19-18899283-C-T.
Other names: short protein forms R268H.
Identifiers: ClinVar variation 3626155 (VCV003626155.3).
Genomic context (GRCh38, chr19:18,788,474, plus strand): 5'-CGGCACTGGCGCTCCGGGCAGCGCAGCTTCTCGTCCGGGAAGCCGTCTAGGTCAGTGTCG[C>T]GACCACAGAGGATCCCGTTGCCGGCCCAGCCAACGGCACACTGTGGGAGAGTGTAAGTGG-3'
Protein context (NP_000086.2, residues 258-278): GWAGNGILCG[Arg268His]DTDLDGFPDE